The following is an entry in ClinVar:

NM_001256864.2(DNAJC6):c.1056C>T (p.Asp352=)

Gene: DNAJC6 (DnaJ heat shock protein family (Hsp40) member C6; plus strand). Cytogenetic location: 1p31.3.
Variant type: single nucleotide variant.
Coding change: c.1056C>T on transcript NM_001256864.2 (MANE Select); coding-DNA position 1056, C replaced by T.
Protein change: p.Asp352=; no amino-acid change (aspartic acid 352 retained).
Molecular consequence: synonymous variant.
Genome position (GRCh38, 1-based): chr1:65,386,872, C>T. VCF-style: chr1-65386872-C-T. GRCh37 (hg19) VCF-style: chr1-65852555-C-T.
Other names: c.846C>T, p.Asp282= (NM_001256865.2); c.885C>T, p.Asp295= (NM_014787.4).
Identifiers: ClinVar variation 3905308 (VCV003905308.10).

ClinVar aggregate classification (germline): Likely benign (1 of 4 stars; one submission).

gnomAD v4.1: 28 of 1,613,980 alleles (0.0017%); highest among the groups gnomAD compares: Non-Finnish European, 0.0021%; no homozygotes.

Submission:

CeGaT Center for Human Genetics Tuebingen
Classification: Likely benign. Last evaluated: 2025-05-01. Review status: criteria provided, single submitter. Criteria: CeGaT Center For Human Genetics Tuebingen Variant Classification Criteria Version 2. Collection method: clinical testing. Allele origin: germline. Affected: yes. Observed: 1 variant allele.
Comment: DNAJC6: BP4, BP7